The following is an entry in ClinVar:

NM_000545.8(HNF1A):c.1504del (p.Leu502fs)

Gene: HNF1A (HNF1 homeobox A; plus strand). Cytogenetic location: 12q24.31.
Variant type: Deletion.
Coding change: c.1504del on transcript NM_000545.8 (MANE Select); coding-DNA position 1504, one base deleted (C; older notation c.1504delC).
Protein change: p.Leu502fs; shifts the reading frame from leucine 502.
Molecular consequence: frameshift variant.
Genome position (GRCh38, 1-based): chr12:120,999,270, C deleted; the last of 3 consecutive C bases (chr12:120,999,268-120,999,270); deleting any one gives the same sequence. VCF-style (leftmost placement, unchanged base first): chr12-120999267-GC-G. GRCh37 (hg19) VCF-style: chr12-121437070-GC-G.
Other names: c.1504del, p.Leu502fs (NM_001306179.2); c.1312delC, p.Leu438Serfs (NM_001406915.1); short protein forms L502fs.
Identifiers: ClinVar variation 2135477 (VCV002135477.4), dbSNP rs2500008986, ClinGen allele CA2580085892.

ClinVar aggregate classification (germline): Pathogenic (1 of 4 stars; one submission).

Submission:

Labcorp Genetics (formerly Invitae), Labcorp
Classification: Pathogenic. Last evaluated: 2022-05-08. Review status: criteria provided, single submitter. Criteria: Invitae Variant Classification Sherloc (09022015). Collection method: clinical testing. Allele origin: germline.
Comment: For these reasons, this variant has been classified as Pathogenic. Algorithms developed to predict the effect of sequence changes on RNA splicing suggest that this variant may disrupt the consensus splice site. This variant has not been reported in the literature in individuals affected with HNF1A-related conditions. This variant is not present in population databases (gnomAD no frequency). This sequence change creates a premature translational stop signal (p.Leu502Serfs*29) in the HNF1A gene. It is expected to result in an absent or disrupted protein product. Loss-of-function variants in HNF1A are known to be pathogenic (PMID: 15928245, 18003757).

Literature cited by the submitters: PubMed 15928245; PubMed 18003757.